The following is an entry in ClinVar:

ClinVar aggregate classification (germline): Uncertain significance (1 of 4 stars; one submission).

Conditions:
Baller-Gerold syndrome (BGS). Also called: CRANIOSYNOSTOSIS WITH RADIAL DEFECTS. Identifiers: Orphanet 1225, MedGen C0265308, MONDO:0009039, OMIM 218600.

Submission:

Labcorp Genetics (formerly Invitae), Labcorp
Classification: Uncertain significance for Baller-Gerold syndrome. Last evaluated: 2021-05-02. Review status: criteria provided, single submitter. Criteria: Invitae Variant Classification Sherloc (09022015). Collection method: clinical testing. Allele origin: germline.
Comment: This sequence change replaces lysine with arginine at codon 361 of the RECQL4 protein (p.Lys361Arg). The lysine residue is moderately conserved and there is a small physicochemical difference between lysine and arginine. In summary, the available evidence is currently insufficient to determine the role of this variant in disease. Therefore, it has been classified as a Variant of Uncertain Significance. Experimental studies and prediction algorithms are not available or were not evaluated, and the functional significance of this variant is currently unknown. This variant has not been reported in the literature in individuals with RECQL4-related conditions. This variant is not present in population databases (ExAC no frequency).

NM_004260.4(RECQL4):c.1082A>G (p.Lys361Arg)

Gene: RECQL4 (RecQ like helicase 4; minus strand). Cytogenetic location: 8q24.3.
Variant type: single nucleotide variant.
Coding change: c.1082A>G on transcript NM_004260.4 (MANE Select); coding-DNA position 1082, A replaced by G.
Protein change: p.Lys361Arg; replaces lysine 361 with arginine.
Molecular consequence: missense variant.
Genome position (GRCh38, 1-based): chr8:144,516,037, T>C on the plus strand (A>G on the coding strand, the complement: RECQL4 is on the minus strand). VCF-style: chr8-144516037-T-C. GRCh37 (hg19) VCF-style: chr8-145741421-T-C.
Other names: short protein forms K361R.
Identifiers: ClinVar variation 1472648 (VCV001472648.6), dbSNP rs2130716323, ClinGen allele CA372688127.